The following is an entry in ClinVar:

NM_001366145.2(TRPM3):c.3012_3013delinsTC (p.Lys1004_Tyr1005delinsAsnHis)

Gene: TRPM3 (transient receptor potential cation channel subfamily M member 3; minus strand). Cytogenetic location: 9q21.12.
Variant type: Indel.
Coding change: c.3012_3013delinsTC on transcript NM_001366145.2 (MANE Select); coding-DNA positions 3012 to 3013, GT replaced by TC.
Protein change: p.Lys1004_Tyr1005delinsAsnHis.
Molecular consequence: missense variant.
Genome position (GRCh38, 1-based): chr9:70,598,454-70,598,455, AC replaced by GA on the plus strand (GT replaced by TC on the coding strand, the reverse complement: TRPM3 is on the minus strand). VCF-style: chr9-70598454-AC-GA. GRCh37 (hg19) VCF-style: chr9-73213370-AC-GA.
Other names: c.2976_2977delinsTC, p.Lys992_Tyr993delinsAsnHis (NM_001007471.4, NM_001366151.2); c.2982_2983delinsTC, p.Lys994_Tyr995delinsAsnHis (NM_001366141.2, NM_001366143.2, NM_001366149.2); c.3018_3019delinsTC, p.Lys1006_Tyr1007delinsAsnHis (NM_001366142.2); c.3012_3013delinsTC, p.Lys1004_Tyr1005delinsAsnHis (NM_001366146.2); c.3087_3088delinsTC, p.Lys1029_Tyr1030delinsAsnHis (NM_001366147.2, NM_001366152.2); c.3057_3058delinsTC, p.Lys1019_Tyr1020delinsAsnHis (NM_001366148.2); c.2946_2947delinsTC, p.Lys982_Tyr983delinsAsnHis (NM_001366150.2); c.2553_2554delinsTC, p.Lys851_Tyr852delinsAsnHis (NM_001366154.2, NM_024971.7); and 5 more.
Identifiers: ClinVar variation 4849657 (VCV004849657.1).

ClinVar aggregate classification (germline): Uncertain significance (1 of 4 stars; one submission).

Conditions:
Neurodevelopmental disorder with hypotonia, dysmorphic facies, and skeletal anomalies, with or without seizures (NEDFSS). Also called: TRPM3-Related Neurodevelopmental Disorder. Identifiers: MedGen C5830244, MONDO:0859365, OMIM 620224.

Submission:

Institute of Immunology and Genetics Kaiserslautern
Classification: Uncertain significance for Neurodevelopmental disorder with hypotonia, dysmorphic facies, and skeletal anomalies, with or without seizures. Last evaluated: 2025-12-05. Review status: criteria provided, single submitter. Criteria: ACMG Guidelines, 2015. Collection method: clinical testing. Allele origin: germline. Affected: yes.
Comment: ACMG Criteria: PM2_P ; Variant was found in heterozygous state.